The following is an entry in ClinVar:

NM_017849.4(TMEM127):c.*57C>T

Gene: TMEM127 (transmembrane protein 127; minus strand). Cytogenetic location: 2q11.2.
Variant type: single nucleotide variant.
Coding change: c.*57C>T on transcript NM_017849.4 (MANE Select); 57 bases downstream of the stop codon, C replaced by T.
Molecular consequence: 3 prime UTR variant.
Genome position (GRCh38, 1-based): chr2:96,253,751, G>A on the plus strand (C>T on the coding strand, the complement: TMEM127 is on the minus strand). VCF-style: chr2-96253751-G-A. GRCh37 (hg19) VCF-style: chr2-96919489-G-A.
Other names: c.*57C>T (NM_001193304.3).
Identifiers: ClinVar variation 337499 (VCV000337499.5), dbSNP rs147532087, ClinGen allele CA10616367.

ClinVar aggregate classification (germline): Benign (1 of 4 stars; one submission).

Conditions:
Pheochromocytoma. Also called: MAX-Related Hereditary Paraganglioma-Pheochromocytoma Syndrome. Identifiers: Orphanet 29072, MedGen C0031511, MONDO:0008233, OMIM 171300, HP:0002666.

Allele frequency attached by ClinVar (database versions not stated): gnomAD 0.00089 and 0.00135; TOPMed 0.00133; 1000 Genomes Project 30x 0.00874; 1000 Genomes Project 0.00938.

Submission:

Illumina Laboratory Services, Illumina
Classification: Benign for Pheochromocytoma. Last evaluated: 2018-01-12. Review status: criteria provided, single submitter. Criteria: ICSL Variant Classification Criteria 13 December 2019. Collection method: clinical testing. Allele origin: germline.
Comment: This variant was observed in the ICSL laboratory as part of a predisposition screen in an ostensibly healthy population. It had not been previously curated by ICSL or reported in the Human Gene Mutation Database (HGMD: prior to June 1st, 2018), and was therefore a candidate for classification through an automated scoring system. Utilizing variant allele frequency, disease prevalence and penetrance estimates, and inheritance mode, an automated score was calculated to assess if this variant is too frequent to cause the disease. Based on the score and internal cut-off values, a variant classified as benign is not then subjected to further curation. The score for this variant resulted in a classification of benign for this disease.